The following is an entry in ClinVar:

ClinVar aggregate classification (germline): Uncertain significance (1 of 4 stars; one submission).

Submission:

Ambry Genetics
Classification: Uncertain significance. Last evaluated: 2025-05-02. Review status: criteria provided, single submitter. Criteria: Ambry Variant Classification Scheme 2023. Collection method: clinical testing. Allele origin: germline.
Comment: The p.V113G variant (also known as c.338T>G), located in coding exon 2 of the GEN1 gene, results from a T to G substitution at nucleotide position 338. The valine at codon 113 is replaced by glycine, an amino acid with dissimilar properties. This amino acid position is conserved. In addition, this alteration is predicted to be deleterious by in silico analysis. Based on the available evidence, the clinical significance of this variant remains unclear.

NM_001130009.3(GEN1):c.338T>G (p.Val113Gly)

Gene: GEN1 (GEN1 Holliday junction 5' flap endonuclease; plus strand). Cytogenetic location: 2p24.2.
Variant type: single nucleotide variant.
Coding change: c.338T>G on transcript NM_001130009.3 (MANE Select); coding-DNA position 338, T replaced by G.
Protein change: p.Val113Gly; replaces valine 113 with glycine.
Molecular consequence: missense variant.
Genome position (GRCh38, 1-based): chr2:17,761,572, T>G. VCF-style: chr2-17761572-T-G. GRCh37 (hg19) VCF-style: chr2-17942839-T-G.
Other names: c.338T>G, p.Val113Gly (NM_182625.5); short protein forms V113G.
Identifiers: ClinVar variation 4029265 (VCV004029265.1).